The following is an entry in ClinVar:

NM_000246.4(CIITA):c.1847del (p.Ala616fs)

Gene: CIITA (class II major histocompatibility complex transactivator; plus strand). Cytogenetic location: 16p13.13.
Variant type: Deletion.
Coding change: c.1847del on transcript NM_000246.4 (MANE Select); coding-DNA position 1847, one base deleted (C; older notation c.1847delC).
Protein change: p.Ala616fs; shifts the reading frame from alanine 616.
Molecular consequence: frameshift variant. On other transcripts: intron variant (1).
Genome position (GRCh38, 1-based): chr16:10,907,339, C deleted. VCF-style (leftmost placement, unchanged base first): chr16-10907338-GC-G. GRCh37 (hg19) VCF-style: chr16-11001195-GC-G.
Other names: c.860-1644del (NM_001286403.2); c.1850del, p.Ala617fs (NM_001286402.1, NM_001379332.1); c.1703del, p.Ala568fs (NM_001379330.1); c.1700del, p.Ala567fs (NM_001379331.1); c.1847del, p.Ala616fs (NM_001379333.1); c.1778del, p.Ala593fs (NM_001379334.1); short protein forms A567fs, A616fs, A593fs, A568fs, A617fs.
Identifiers: ClinVar variation 2744475 (VCV002744475.3), dbSNP rs2544485110, ClinGen allele CA2697555652.

ClinVar aggregate classification (germline): Pathogenic (1 of 4 stars; one submission).

Conditions:
MHC class II deficiency. Also called: Bare lymphocyte syndrome 2; BLS, TYPE II. Identifiers: Orphanet 572, MedGen C5447452, MONDO:0008855.

Submission:

Labcorp Genetics (formerly Invitae), Labcorp
Classification: Pathogenic for MHC class II deficiency. Last evaluated: 2023-07-17. Review status: criteria provided, single submitter. Criteria: Invitae Variant Classification Sherloc (09022015). Collection method: clinical testing. Allele origin: germline.
Comment: For these reasons, this variant has been classified as Pathogenic. This variant has not been reported in the literature in individuals affected with CIITA-related conditions. This variant is not present in population databases (gnomAD no frequency). This sequence change creates a premature translational stop signal (p.Ala616Glufs*70) in the CIITA gene. It is expected to result in an absent or disrupted protein product. Loss-of-function variants in CIITA are known to be pathogenic (PMID: 8402893, 9099848, 26271388).

Literature cited by the submitters: PubMed 8402893; PubMed 9099848; PubMed 26271388.